The following is an entry in ClinVar:

ClinVar aggregate classification (germline): Uncertain significance (1 of 4 stars; one submission).

Conditions:
Paroxysmal nonkinesigenic dyskinesia. Also called: Paroxysmal non-kinesigenic dyskinesia. Identifiers: Orphanet 98810, MedGen C1869117, MONDO:0700088.

Allele frequency attached by ClinVar (database versions not stated): TOPMed 0.00001.

Submission:

Labcorp Genetics (formerly Invitae), Labcorp
Classification: Uncertain significance for Paroxysmal nonkinesigenic dyskinesia. Last evaluated: 2025-05-27. Review status: criteria provided, single submitter. Criteria: Invitae Variant Classification Sherloc (09022015). Collection method: clinical testing. Allele origin: germline.
Comment: This sequence change creates a premature translational stop signal (p.Trp288*) in the PNKD gene. It is expected to result in an absent or disrupted protein product. However, the current clinical and genetic evidence is not sufficient to establish whether loss-of-function variants in PNKD cause disease. This variant is not present in population databases (gnomAD no frequency). This variant has not been reported in the literature in individuals affected with PNKD-related conditions. ClinVar contains an entry for this variant (Variation ID: 2157917). In summary, the available evidence is currently insufficient to determine the role of this variant in disease. Therefore, it has been classified as a Variant of Uncertain Significance.

NM_015488.5(PNKD):c.864G>A (p.Trp288Ter)

Genes: CATIP-AS2 (CATIP antisense RNA 2; minus strand), PNKD (PNKD metallo-beta-lactamase domain containing; plus strand). Cytogenetic location: 2q35.
Variant type: single nucleotide variant.
Coding change: c.864G>A on transcript NM_015488.5 (MANE Select); coding-DNA position 864, G replaced by A.
Protein change: p.Trp288Ter; replaces tryptophan 288 with a stop codon.
Molecular consequence: nonsense.
Genome position (GRCh38, 1-based): chr2:218,343,582, G>A. VCF-style: chr2-218343582-G-A. GRCh37 (hg19) VCF-style: chr2-219208305-G-A.
Other names: c.792G>A, p.Trp264Ter (NM_022572.5); short protein forms W264*, W288*.
Identifiers: ClinVar variation 2157917 (VCV002157917.4), dbSNP rs1694743592, ClinGen allele CA350542280.